The following is an entry in ClinVar:

NM_017780.4(CHD7):c.5735G>T (p.Arg1912Leu)

Gene: CHD7 (chromodomain helicase DNA binding protein 7; plus strand). Cytogenetic location: 8q12.2.
Variant type: single nucleotide variant.
Coding change: c.5735G>T on transcript NM_017780.4 (MANE Select); coding-DNA position 5735, G replaced by T.
Protein change: p.Arg1912Leu; replaces arginine 1912 with leucine.
Molecular consequence: missense variant. On other transcripts: intron variant (1).
Genome position (GRCh38, 1-based): chr8:60,852,088, G>T. VCF-style: chr8-60852088-G-T. GRCh37 (hg19) VCF-style: chr8-61764647-G-T.
Other names: c.1717-10141G>T (NM_001316690.1); short protein forms R1912L.
Identifiers: ClinVar variation 1714547 (VCV001714547.5), dbSNP rs767326758, ClinGen allele CA371322583.

ClinVar aggregate classification (germline): Uncertain significance (1 of 4 stars; one submission).

Conditions:
CHARGE syndrome (CHARGE). Also called: Coloboma, heart anomaly, choanal atresia, retardation, genital and ear anomalies; CHARGE association; Hall-Hittner syndrome; Hittner Hirsch Kreh syndrome; CHARGE ASSOCIATION--COLOBOMA, HEART ANOMALY, CHOANAL ATRESIA, RETARDATION, GENITAL AND EAR ANOMALIES. Identifiers: Orphanet 138, MedGen C0265354, MONDO:0008965.

gnomAD v4.1: 1 of 1,613,902 alleles (0.000062%); no homozygotes.

Submission:

Labcorp Genetics (formerly Invitae), Labcorp
Classification: Uncertain significance for CHARGE syndrome. Last evaluated: 2022-07-30. Review status: criteria provided, single submitter. Criteria: Invitae Variant Classification Sherloc (09022015). Collection method: clinical testing. Allele origin: germline.
Comment: In summary, the available evidence is currently insufficient to determine the role of this variant in disease. Therefore, it has been classified as a Variant of Uncertain Significance. Advanced modeling of protein sequence and biophysical properties (such as structural, functional, and spatial information, amino acid conservation, physicochemical variation, residue mobility, and thermodynamic stability) performed at Invitae indicates that this missense variant is expected to disrupt CHD7 protein function. This variant has not been reported in the literature in individuals affected with CHD7-related conditions. This variant is not present in population databases (gnomAD no frequency). This sequence change replaces arginine, which is basic and polar, with leucine, which is neutral and non-polar, at codon 1912 of the CHD7 protein (p.Arg1912Leu).